The following is an entry in ClinVar:

NM_005633.4(SOS1):c.511-5T>C

Gene: SOS1 (SOS Ras/Rac guanine nucleotide exchange factor 1; minus strand). Cytogenetic location: 2p22.1.
Variant type: single nucleotide variant.
Coding change: c.511-5T>C on transcript NM_005633.4 (MANE Select); 5 bases into the intron before coding-DNA position 511, T replaced by C.
Molecular consequence: intron variant.
Genome position (GRCh38, 1-based): chr2:39,054,828, A>G on the plus strand (T>C on the coding strand, the complement: SOS1 is on the minus strand). VCF-style: chr2-39054828-A-G. GRCh37 (hg19) VCF-style: chr2-39281969-A-G.
Other names: c.490-5T>C (NM_001382394.1); c.511-5T>C (NM_001382395.1).
Identifiers: ClinVar variation 928617 (VCV000928617.11), dbSNP rs1558491271, ClinGen allele CA532103150.

ClinVar aggregate classification (germline): Likely benign. Review status: criteria provided, multiple submitters, no conflicts (2 of 4 stars). 2 submissions from 2 submitters: Likely benign (2). Last evaluated 2025-10-19.

Conditions:
RASopathy. Also called: Noonan spectrum disorder; rasopathies. Identifiers: Orphanet 536391, MedGen C5555857, MONDO:0021060.

Allele frequency attached by ClinVar (database versions not stated): gnomAD exomes below 0.00001; gnomAD 0.00001.
gnomAD v4.1: 6 of 1,255,830 alleles (0.00048%); highest among the groups gnomAD compares: African/African-American, 0.0015%; no homozygotes.

Submissions (2):

Labcorp Genetics (formerly Invitae), Labcorp
Classification: Likely benign for RASopathy. Last evaluated: 2025-10-19. Review status: criteria provided, single submitter. Criteria: Invitae Variant Classification Sherloc (09022015). Collection method: clinical testing. Allele origin: germline.

Women's Health and Genetics/Laboratory Corporation of America, LabCorp
Classification: Likely benign. Last evaluated: 2025-04-11. Review status: criteria provided, single submitter. Criteria: LabCorp Variant Classification Summary - May 2015. Collection method: clinical testing. Allele origin: germline.
Comment: Variant summary: SOS1 c.511-5T>C alters a non-conserved nucleotide located close to a canonical splice site and therefore could affect mRNA splicing, leading to a significantly altered protein sequence. Consensus agreement among computation tools predict no significant impact on normal splicing. However, these predictions have yet to be confirmed by functional studies. The variant allele was found at a frequency of 4e-06 in 248702 control chromosomes. The available data on variant occurrences in the general population are insufficient to allow any conclusion about variant significance. To our knowledge, no occurrence of c.511-5T>C in individuals affected with Noonan Syndrome And Related Conditions and no experimental evidence demonstrating its impact on protein function have been reported. ClinVar contains an entry for this variant (Variation ID: 928617). Based on the evidence outlined above, the variant was classified as likely benign.